The following is an entry in ClinVar:

NM_006944.3(SPP2):c.601C>T (p.Arg201Trp)

Gene: SPP2 (secreted phosphoprotein 2; plus strand). Cytogenetic location: 2q37.1.
Variant type: single nucleotide variant.
Coding change: c.601C>T on transcript NM_006944.3 (MANE Select); coding-DNA position 601, C replaced by T.
Protein change: p.Arg201Trp; replaces arginine 201 with tryptophan.
Molecular consequence: missense variant.
Genome position (GRCh38, 1-based): chr2:234,069,978, C>T. VCF-style: chr2-234069978-C-T. GRCh37 (hg19) VCF-style: chr2-234978622-C-T.
Other names: short protein forms R201W.
Identifiers: ClinVar variation 2150295 (VCV002150295.4), dbSNP rs201489523, ClinGen allele CA2183277.
Genomic context (GRCh38, chr2:234,069,978, plus strand): 5'-CTATCTTTAGGGATCATGAGAAGGGTATTGCCTCCTGGAAACAGAAGGTACCCAAACCAC[C>T]GGCACAGAGCAAGAATAAATACTGACTTTGAGTAACGGCCTTGAGGTAAGAAAATGCAGG-3'
Protein context (NP_008875.1, residues 191-211): PPGNRRYPNH[Arg201Trp]HRARINTDFE

ClinVar aggregate classification (germline): Uncertain significance (1 of 4 stars; one submission).

Allele frequency attached by ClinVar (database versions not stated): TOPMed 0.00002; gnomAD 0.00003.
gnomAD v4.1: 40 of 1,613,196 alleles (0.0025%); highest among the groups gnomAD compares: Middle Eastern, 0.033%; no homozygotes.

Submission:

Labcorp Genetics (formerly Invitae), Labcorp
Classification: Uncertain significance. Last evaluated: 2025-08-08. Review status: criteria provided, single submitter. Criteria: Invitae Variant Classification Sherloc (09022015). Collection method: clinical testing. Allele origin: germline.
Comment: This sequence change replaces arginine, which is basic and polar, with tryptophan, which is neutral and slightly polar, at codon 201 of the SPP2 protein (p.Arg201Trp). This variant is present in population databases (rs201489523, gnomAD 0.003%). This variant has not been reported in the literature in individuals affected with SPP2-related conditions. ClinVar contains an entry for this variant (Variation ID: 2150295). An algorithm developed to predict the effect of missense changes on protein structure and function outputs the following: PolyPhen-2: "Benign". The tryptophan amino acid residue is found in multiple mammalian species, which suggests that this missense change does not adversely affect protein function. In summary, the available evidence is currently insufficient to determine the role of this variant in disease. Therefore, it has been classified as a Variant of Uncertain Significance.